The following is an entry in ClinVar:

ClinVar aggregate classification (germline): Pathogenic. Review status: criteria provided, multiple submitters, no conflicts (2 of 4 stars). 7 submissions from 7 submitters: Pathogenic (7). Last evaluated 2025-10-09.

Conditions:
Autosomal recessive polycystic kidney disease (ARPKD). Also called: AR polycystic kidney disease. Identifiers: Orphanet 731, Orphanet 8378, MedGen C0085548, MeSH D017044, MONDO:0009889.
Polycystic kidney disease 4 (PKD4). Also called: PKD3; POLYCYSTIC KIDNEY AND HEPATIC DISEASE 1; POLYCYSTIC KIDNEY DISEASE, INFANTILE, TYPE I; Autosomal Recessive Polycystic Kidney Disease – PKHD1; POLYCYSTIC KIDNEY DISEASE 4 WITH OR WITHOUT POLYCYSTIC LIVER DISEASE. Identifiers: MedGen C4540575, MONDO:0033004, OMIM 263200.

gnomAD v4.1: 10 of 1,613,836 alleles (0.00062%); highest among the groups gnomAD compares: East Asian, 0.0022%; no homozygotes.

Submissions (7):

Natera, Inc.
Classification: Pathogenic for Autosomal recessive polycystic kidney disease. Last evaluated: 2025-10-09. Review status: criteria provided, single submitter. Criteria: Natera Variant Classification Schema (03/2026). Collection method: clinical testing. Allele origin: germline.
Comment: The c.3118C>T variant in PKHD1 is a nonsense variant predicted to introduce a stop codon at amino acid 1040. This variant is expected to result in nonsense mediated decay, truncation, or a dysfunctional protein product. This variant is rare in the general population with a frequency below the threshold expected for the associated phenotype(s). This variant has been observed in one or more individuals affected with the associated recessive disease, as either homozygous or compound heterozygous with a second variant (PMID: 19940839). Given the available evidence, this variant is classified as Pathogenic.

Genomic Medicine Center of Excellence, King Faisal Specialist Hospital and Research Centre
Classification: Pathogenic for Polycystic kidney disease 4. Last evaluated: 2024-12-18. Review status: criteria provided, single submitter. Criteria: ACMG Guidelines, 2015. Collection method: clinical testing. Allele origin: germline.

Labcorp Genetics (formerly Invitae), Labcorp
Classification: Pathogenic for Autosomal recessive polycystic kidney disease. Last evaluated: 2024-09-11. Review status: criteria provided, single submitter. Criteria: Invitae Variant Classification Sherloc (09022015). Collection method: clinical testing. Allele origin: germline.
Comment: This sequence change creates a premature translational stop signal (p.Arg1040*) in the PKHD1 gene. It is expected to result in an absent or disrupted protein product. Loss-of-function variants in PKHD1 are known to be pathogenic (PMID: 19940839). This variant is present in population databases (no rsID available, gnomAD 0.006%). This premature translational stop signal has been observed in individual(s) with polycystic kidney disease (PMID: 19940839). ClinVar contains an entry for this variant (Variation ID: 950724). For these reasons, this variant has been classified as Pathogenic.

Revvity Omics, Revvity
Classification: Pathogenic for Polycystic kidney disease 4. Last evaluated: 2022-07-22. Review status: criteria provided, single submitter. Criteria: ACMG Guidelines, 2015. Collection method: clinical testing. Allele origin: germline.

Fulgent Genetics
Classification: Pathogenic for Polycystic kidney disease 4. Last evaluated: 2021-10-06. Review status: criteria provided, single submitter. Criteria: ACMG Guidelines, 2015. Collection method: clinical testing. Allele origin: unknown.

Women's Health and Genetics/Laboratory Corporation of America, LabCorp
Classification: Pathogenic for Autosomal recessive polycystic kidney disease. Last evaluated: 2021-08-02. Review status: criteria provided, single submitter. Criteria: LabCorp Variant Classification Summary - May 2015. Collection method: clinical testing. Allele origin: germline.
Comment: Variant summary: PKHD1 c.3118C>T (p.Arg1040X) results in a premature termination codon, predicted to cause a truncation of the encoded protein or absence of the protein due to nonsense mediated decay, which are commonly known mechanisms for disease. The variant allele was found at a frequency of 4e-06 in 251332 control chromosomes (gnomAD). c.3118C>T has been reported in the literature in at least an individual (in compound heterozygosity) affected with Polycystic Kidney and Hepatic Disease and also in another individual affected with Von Meyenburg complexes, congenital hepatic fibrosis and HBeAg-negative chronic hepatitis B in heterozygosity (example: Denamur_2010, Li_2015). These data indicate that the variant may be associated with disease. To our knowledge, no experimental evidence demonstrating an impact on protein function has been reported. One ClinVar submitter (evaluation after 2014) cites the variant as pathogenic. Based on the evidence outlined above, the variant was classified as pathogenic.

Lifecell International Pvt. Ltd
Classification: Pathogenic for Polycystic kidney disease 4. Review status: criteria provided, single submitter. Criteria: ACMG Guidelines, 2015. Collection method: clinical testing. Allele origin: germline. Inheritance: Autosomal recessive inheritance. Affected: yes. Observed: 1 compound heterozygote.
Comment: A Heterozygous Nonsense variant c.3118C>T in Exon 28 of the PKHD1 gene that results in the amino acid substitution p.Arg1040* was identified. The observed variant his novel in gnomAD exomes and genomes, respectively. The severity of the impact of this variant on the protein is high, based on the effect of the protein and REVEL score . Rare Exome Variant Ensemble Learner (REVEL) is an ensembl method for predicting the pathogenicity of missense variants based on a combination of scores from 13 individual tools: MutPred, FATHMM v2.3, VEST 3.0, PolyPhen-2, SIFT, PROVEAN, MutationAssessor, MutationTaster, LRT, GERP++, SiPhy, phyloP, and phastCons. The REVEL score for an individual missense variant can range from 0 to 1, with higher scores reflecting greater likelihood that the variant is disease-causing. ClinVar has also classified this variant as Pathogenic (ClinVar id: 950724). This sequence change creates a premature translational stop signal (p.Arg1040*) in the PKHD1 gene. It is expected to result in an absent or disrupted protein product. Loss-of-function variants in PKHD1 are known to be pathogenic. This premature translational stop signal has been observed in individual(s) with polycystic kidney disease (Denamur E et al., 2010). Based on the above evidence this variant has been classified as Pathogenic according to the ACMG guidelines.

Literature cited by the submitters: PubMed 19940839 (cited by 4 submitters); PubMed 25589618 (cited by Women's Health and Genetics/Laboratory Corporation of America, LabCorp).

NM_138694.4(PKHD1):c.3118C>T (p.Arg1040Ter)

Gene: PKHD1 (PKHD1 ciliary IPT domain containing fibrocystin/polyductin; minus strand). Cytogenetic location: 6p12.2.
Variant type: single nucleotide variant.
Coding change: c.3118C>T on transcript NM_138694.4 (MANE Select); coding-DNA position 3118, C replaced by T.
Protein change: p.Arg1040Ter; replaces arginine 1040 with a stop codon.
Molecular consequence: nonsense.
Genome position (GRCh38, 1-based): chr6:52,035,701, G>A on the plus strand (C>T on the coding strand, the complement: PKHD1 is on the minus strand). VCF-style: chr6-52035701-G-A. GRCh37 (hg19) VCF-style: chr6-51900499-G-A.
Other names: c.3118C>T, p.Arg1040Ter (NM_170724.3); short protein forms R1040*.
Identifiers: ClinVar variation 950724 (VCV000950724.23), dbSNP rs755183117, ClinGen allele CA138955134.